The following is an entry in ClinVar:

NM_000053.4(ATP7B):c.2121+3A>G

Gene: ATP7B (ATPase copper transporting beta; minus strand). Cytogenetic location: 13q14.3.
Variant type: single nucleotide variant.
Coding change: c.2121+3A>G on transcript NM_000053.4 (MANE Select); 3 bases into the intron after coding-DNA position 2121, A replaced by G.
Molecular consequence: intron variant.
Genome position (GRCh38, 1-based): chr13:51,960,145, T>C on the plus strand (A>G on the coding strand, the complement: ATP7B is on the minus strand). VCF-style: chr13-51960145-T-C. GRCh37 (hg19) VCF-style: chr13-52534281-T-C.
Other names: c.1788+3A>G (NM_001243182.2); c.1870-2538A>G (NM_001005918.3); c.1870-1601A>G (NM_001330579.2); c.2121+3A>G (NM_001330578.2).
Identifiers: ClinVar variation 552579 (VCV000552579.23), dbSNP rs1248002612, ClinGen allele CA610425893.

ClinVar aggregate classification (germline): Pathogenic/Likely pathogenic. Review status: criteria provided, multiple submitters, no conflicts (2 of 4 stars). 10 submissions from 10 submitters: Pathogenic (3); Likely pathogenic (6). 1 of the submissions does not count toward it. Last evaluated 2025-11-01.

Conditions:
Wilson disease (WND). Also called: Wilson's disease. Identifiers: Orphanet 905, MedGen C0019202, MONDO:0010200, OMIM 277900. Disease mechanism: loss of function.

Allele frequency attached by ClinVar (database versions not stated): gnomAD exomes below 0.00001; TOPMed below 0.00001.
gnomAD v4.1: 6 of 1,613,494 alleles (0.00037%); highest among the groups gnomAD compares: Non-Finnish European, 0.00051%; no homozygotes.

Submissions (10):

CeGaT Center for Human Genetics Tuebingen
Classification: Pathogenic. Last evaluated: 2025-11-01. Review status: criteria provided, single submitter. Criteria: CeGaT Center For Human Genetics Tuebingen Variant Classification Criteria Version 2. Collection method: clinical testing. Allele origin: germline. Affected: yes. Observed: 1 variant allele.
Comment: ATP7B: PVS1, PM3:Strong, PM2

Labcorp Genetics (formerly Invitae), Labcorp
Classification: Pathogenic for Wilson disease. Last evaluated: 2025-06-24. Review status: criteria provided, single submitter. Criteria: Invitae Variant Classification Sherloc (09022015). Collection method: clinical testing. Allele origin: germline.
Comment: This sequence change falls in intron 7 of the ATP7B gene. It does not directly change the encoded amino acid sequence of the ATP7B protein. RNA analysis indicates that this variant induces altered splicing and may result in an absent or altered protein product. This variant is present in population databases (no rsID available, gnomAD 0.0009%). This variant has been observed in individual(s) with Wilson disease (PMID: 16283883, 19371217, 23518715, 24668339, 31708252). ClinVar contains an entry for this variant (Variation ID: 552579). Variants that disrupt the consensus splice site are a relatively common cause of aberrant splicing (PMID: 17576681, 9536098). Studies have shown that this variant results in skipping of exon 7, and produces a non-functional protein and/or introduces a premature termination codon (PMID: 19371217). For these reasons, this variant has been classified as Pathogenic.

Lildballe Lab, Aarhus University Hospital
Classification: Likely pathogenic for Wilson disease. Last evaluated: 2024-08-29. Review status: criteria provided, single submitter. Criteria: ACMG Guidelines, 2015. Collection method: clinical testing. Allele origin: germline. Affected: yes.
Comment: PP5, PM2, BP4

Natera, Inc.
Classification: Likely pathogenic for Wilson disease. Last evaluated: 2024-06-24. Review status: criteria provided, single submitter. Criteria: Natera Variant Classification Schema (03/2026). Collection method: clinical testing. Allele origin: germline.
Comment: The c.2121+3A>G variant in ATP7B is an intronic variant located outside the canonical splice sites. This variant is rare in the general population with a frequency below the threshold expected for the associated phenotype(s). This variant has been observed in one or more individuals affected with the associated recessive disease, as either homozygous or compound heterozygous with a second variant (PMID: 24668339, 23518715). Computational prediction algorithms indicate this variant is likely to affect gene or protein function. Given the available evidence, this variant is classified as Likely Pathogenic.

Fulgent Genetics
Classification: Likely pathogenic for Wilson disease. Last evaluated: 2024-01-29. Review status: criteria provided, single submitter. Criteria: ACMG Guidelines, 2015. Collection method: clinical testing. Allele origin: germline.

Women's Health and Genetics/Laboratory Corporation of America, LabCorp
Classification: Likely pathogenic for Wilson disease. Last evaluated: 2023-06-30. Review status: criteria provided, single submitter. Criteria: LabCorp Variant Classification Summary - May 2015. Collection method: clinical testing. Allele origin: germline.
Comment: Variant summary: ATP7B c.2121+3A>G alters a non-conserved nucleotide located close to a canonical splice site and therefore could affect mRNA splicing, leading to a significantly altered protein sequence. Several computational tools predict a significant impact on normal splicing: Two predict the variant abolishes the canonical 5' splicing donor site. Two predict the variant weakens the canonical 5' donor site. At least one publication reports experimental evidence that this variant affects mRNA splicing (Lovicu_2009). The variant allele was found at a frequency of 4e-06 in 249164 control chromosomes (gnomAD). c.2121+3A>G has been reported in the literature in individuals affected with Wilson Disease (examples: Gromadzka_2005, Lovicu_2009, Coffey_2013, Litwin_2014 ). These data indicate that the variant may be associated with disease. The following publications have been ascertained in the context of this evaluation (PMID: 31708252, 23518715, 16283883, 24668339, 19371217). Three submitters have cited clinical-significance assessments for this variant to ClinVar after 2014. All submitters classified the variant as pathogenic/likely pathogenic. Based on the evidence outlined above, the variant was classified as likely pathogenic.

All of Us Research Program, National Institutes of Health
Classification: Likely pathogenic for Wilson disease. Last evaluated: 2023-05-04. Review status: criteria provided, single submitter. Criteria: ACMG Guidelines, 2015. Collection method: clinical testing. Allele origin: germline. Inheritance: Autosomal recessive inheritance. Observed: 1 variant allele, 1 heterozygote.
Comment: This variant was detected in multiple individuals with Wilson disease, and was compound heterozygous (in trans) with a pathogenic variant in at least one individual, which is consistent with autosomal recessive inheritance (PMID: 16283883, 19371217, 23518715, 24668339, 31708252). It is rare in large population databases, including the Genome Aggregation Database. This variant is predicted to be deleterious by in silico analysis. Functional analysis suggests that this variant results in skipping of exon 7, which is expected to result in loss of function due to nonsense-mediated decay (PMID: 19371217).

This study involves interpretation of variants in research participants for the purpose of population health screening. Participant phenotype was not available at the time of variant classification. Additional details can be found in publication PMID: 35346344, PMCID: PMC8962531

Baylor Genetics
Classification: Pathogenic for Wilson disease. Last evaluated: 2022-07-17. Review status: criteria provided, single submitter. Criteria: ACMG Guidelines, 2015. Collection method: clinical testing. Allele origin: unknown.

Genome-Nilou Lab
Classification: Likely pathogenic for Wilson disease. Last evaluated: 2021-08-10. Review status: criteria provided, single submitter. Criteria: ACMG Guidelines, 2015. Collection method: clinical testing. Allele origin: germline. Affected: no.

Counsyl
Classification: Likely pathogenic for Wilson disease. Last evaluated: 2017-06-21. Review status: no assertion criteria provided. Collection method: clinical testing. Allele origin: unknown. Not counted in ClinVar's aggregate classification.

Literature cited by the submitters: PubMed 16283883 (cited by 4 submitters); PubMed 19371217 (cited by 4 submitters); PubMed 23518715 (cited by 5 submitters); PubMed 24668339 (cited by 5 submitters); PubMed 31708252 (cited by 3 submitters); PubMed 17576681 (cited by Labcorp Genetics (formerly Invitae), Labcorp); PubMed 9536098 (cited by Labcorp Genetics (formerly Invitae), Labcorp).